The following is an entry in ClinVar:

NM_000061.3(BTK):c.894+1G>C

Gene: BTK (Bruton tyrosine kinase; minus strand). Cytogenetic location: Xq22.1.
Variant type: single nucleotide variant.
Coding change: c.894+1G>C on transcript NM_000061.3 (MANE Select); the canonical splice donor site of the intron after coding-DNA position 894, G replaced by C.
Molecular consequence: splice donor variant.
Genome position (GRCh38, 1-based): chrX:101,359,292, C>G on the plus strand (G>C on the coding strand, the complement: BTK is on the minus strand). VCF-style: chrX-101359292-C-G. GRCh37 (hg19) VCF-style: chrX-100614280-C-G.
Other names: c.996+1G>C (NM_001287344.2); c.894+1G>C (NM_001287345.2).
Identifiers: ClinVar variation 3724308 (VCV003724308.2).

ClinVar aggregate classification (germline): Pathogenic (1 of 4 stars; one submission).

Conditions:
X-linked agammaglobulinemia with growth hormone deficiency (IGHD3). Also called: Isolated growth hormone deficiency type 3; Growth hormone deficiency with hypogammaglobulinemia; AGAMMAGLOBULINEMIA AND ISOLATED GROWTH HORMONE DEFICIENCY, X-LINKED; FLEISHER SYNDROME; HYPOGAMMAGLOBULINEMIA AND ISOLATED GROWTH HORMONE DEFICIENCY, X-LINKED; IGHD III. Identifiers: Orphanet 231692, Orphanet 631, MedGen C0472813, MONDO:0010615, OMIM 307200.

Submission:

Labcorp Genetics (formerly Invitae), Labcorp
Classification: Pathogenic for X-linked agammaglobulinemia with growth hormone deficiency. Last evaluated: 2024-03-26. Review status: criteria provided, single submitter. Criteria: Invitae Variant Classification Sherloc (09022015). Collection method: clinical testing. Allele origin: germline.
Comment: This sequence change affects a donor splice site in intron 10 of the BTK gene. It is expected to disrupt RNA splicing. Variants that disrupt the donor or acceptor splice site typically lead to a loss of protein function (PMID: 16199547), and loss-of-function variants in BTK are known to be pathogenic (PMID: 15661032, 16862044, 19419768). This variant is not present in population databases (gnomAD no frequency). Disruption of this splice site has been observed in individuals with agammaglobulinemia (PMID: 8090769, 11438999, 17765309, 20723125). Studies have shown that disruption of this splice site is associated with altered splicing resulting in multiple RNA products (PMID: 17765309). For these reasons, this variant has been classified as Pathogenic.

Literature cited by the submitters: PubMed 16199547; PubMed 15661032; PubMed 16862044; PubMed 19419768; PubMed 8090769; PubMed 11438999; PubMed 17765309; PubMed 20723125.